The following is an entry in ClinVar:

NM_002618.4(PEX13):c.1180A>G (p.Ile394Val)

Gene: PEX13 (peroxisomal biogenesis factor 13; plus strand). Cytogenetic location: 2p15.
Variant type: single nucleotide variant.
Coding change: c.1180A>G on transcript NM_002618.4 (MANE Select); coding-DNA position 1180, A replaced by G.
Protein change: p.Ile394Val; replaces isoleucine 394 with valine.
Molecular consequence: missense variant.
Genome position (GRCh38, 1-based): chr2:61,048,738, A>G. VCF-style: chr2-61048738-A-G. GRCh37 (hg19) VCF-style: chr2-61275873-A-G.
Other names: short protein forms I394V.
Identifiers: ClinVar variation 2142993 (VCV002142993.4), dbSNP rs376560254, ClinGen allele CA346950327.

ClinVar aggregate classification (germline): Uncertain significance (1 of 4 stars; one submission).

Conditions:
Peroxisome biogenesis disorder 11A (Zellweger). Also called: Peroxisome biogenesis disorder 11A. Identifiers: Orphanet 912, MedGen C3554000, MONDO:0013949, OMIM 614883.

gnomAD v4.1: 3 of 1,614,046 alleles (0.00019%); highest among the groups gnomAD compares: African/African-American, 0.0013%; no homozygotes.

Submission:

Labcorp Genetics (formerly Invitae), Labcorp
Classification: Uncertain significance for Peroxisome biogenesis disorder 11A (Zellweger). Last evaluated: 2022-08-19. Review status: criteria provided, single submitter. Criteria: Invitae Variant Classification Sherloc (09022015). Collection method: clinical testing. Allele origin: germline.
Comment: This sequence change replaces isoleucine, which is neutral and non-polar, with valine, which is neutral and non-polar, at codon 394 of the PEX13 protein (p.Ile394Val). This variant is not present in population databases (gnomAD no frequency). This variant has not been reported in the literature in individuals affected with PEX13-related conditions. Algorithms developed to predict the effect of missense changes on protein structure and function (SIFT, PolyPhen-2, Align-GVGD) all suggest that this variant is likely to be tolerated. In summary, the available evidence is currently insufficient to determine the role of this variant in disease. Therefore, it has been classified as a Variant of Uncertain Significance.